The following is an entry in ClinVar:

NM_005138.3(SCO2):c.96T>C (p.His32=)

Genes: NCAPH2 (non-SMC condensin II complex subunit H2; plus strand), SCO2 (synthesis of cytochrome C oxidase 2; minus strand). Cytogenetic location: 22q13.33.
Variant type: single nucleotide variant.
Coding change: c.96T>C on transcript NM_005138.3 (MANE Select); coding-DNA position 96, T replaced by C.
Protein change: p.His32=; no amino-acid change (histidine 32 retained).
Molecular consequence: synonymous variant. On other transcripts: 3 prime UTR variant (2).
Genome position (GRCh38, 1-based): chr22:50,524,316, A>G on the plus strand (T>C on the coding strand, the complement: SCO2 is on the minus strand). VCF-style: chr22-50524316-A-G. GRCh37 (hg19) VCF-style: chr22-50962745-A-G.
Other names: c.*941A>G (NM_001185011.2, NM_152299.4); c.96T>C, p.His32= (NM_001169109.2, NM_001169110.1, NM_001169111.2); c.96T>C (NM_005138.2).
Identifiers: ClinVar variation 1559170 (VCV001559170.9), dbSNP rs778685287, ClinGen allele CA10321298.

ClinVar aggregate classification (germline): Likely benign. Review status: criteria provided, multiple submitters, no conflicts (2 of 4 stars). 2 submissions from 2 submitters: Likely benign (2). Last evaluated 2026-02-03.

Conditions:
SCO2-related disorder. Also called: SCO2-related condition.

Allele frequency attached by ClinVar (database versions not stated): gnomAD exomes below 0.00001 and 0.00001; TOPMed 0.00001; ExAC 0.00002.
gnomAD v4.1: 5 of 1,601,964 alleles (0.00031%); highest among the groups gnomAD compares: Non-Finnish European, 0.00042%; no homozygotes.

Submissions (2):

PreventionGenetics, part of Exact Sciences
Classification: Likely benign for SCO2-related condition. Last evaluated: 2026-02-03. Review status: criteria provided, single submitter. Criteria: ACMG Guidelines, 2015. Collection method: clinical testing. Allele origin: germline.
Comment: This variant is classified as likely benign based on ACMG/AMP sequence variant interpretation guidelines (Richards et al. 2015 PMID: 25741868, with internal and published modifications).

Labcorp Genetics (formerly Invitae), Labcorp
Classification: Likely benign. Last evaluated: 2024-09-12. Review status: criteria provided, single submitter. Criteria: Invitae Variant Classification Sherloc (09022015). Collection method: clinical testing. Allele origin: germline.